The following is an entry in ClinVar:

NM_001009944.3(PKD1):c.445del (p.Gln149fs)

Gene: PKD1 (polycystin 1, transient receptor potential channel interacting; minus strand). Cytogenetic location: 16p13.3.
Variant type: Deletion.
Coding change: c.445del on transcript NM_001009944.3 (MANE Select); coding-DNA position 445, one base deleted (C; older notation c.445delC).
Protein change: p.Gln149fs; shifts the reading frame from glutamine 149.
Molecular consequence: frameshift variant.
Genome position (GRCh38, 1-based): chr16:2,118,760, G deleted on the plus strand (C on the coding strand, the reverse complement: PKD1 is on the minus strand). VCF-style (leftmost placement, unchanged base first): chr16-2118759-TG-T. GRCh37 (hg19) VCF-style: chr16-2168760-TG-T.
Other names: c.445_445delC (NM_001009944.2); c.445del, p.Gln149fs (NM_000296.4); short protein forms Q149fs.
Identifiers: ClinVar variation 208064 (VCV000208064.2), dbSNP rs796052133, ClinGen allele CA204352.
Genomic context (GRCh38, chr16:2,118,759, plus strand): 5'-ATGCCAAGCAGAGGCTGGCCAGCCAGGGAGCCAGGCCCAGCACACGTGGCTGCCTCGGGC[TG>T]CACCACCCGCACCTGCTGCTCCTCCGCCCATCGCGGCAGCCACGCCAGGCCACAGTCACA-3'

ClinVar aggregate classification (germline): Pathogenic (0 of 4 stars; one submission).

Conditions:
Polycystic kidney disease, adult type (PKD1). Also called: POLYCYSTIC KIDNEY DISEASE 1 WITH OR WITHOUT POLYCYSTIC LIVER DISEASE; POLYCYSTIC KIDNEY DISEASE, ADULT, TYPE I; Polycystic Kidney Disease 1, Autosomal Dominant; Polycystic kidney disease 1; Polycystic kidney disease 1, severe; Polycystic Kidney, Autosomal Dominant. Identifiers: MedGen C3149841, MONDO:0008263, OMIM 173900.

Submission:

Centre for Genetic Disorders, Banaras Hindu University
Classification: Pathogenic. Review status: no assertion criteria provided. Collection method: not provided. Allele origin: unknown.
ClinVar note: Converted during submission from pathogenic to Pathogenic.